The following is an entry in ClinVar:

NM_000329.3(RPE65):c.415G>A (p.Val139Met)

Gene: RPE65 (retinoid isomerohydrolase RPE65; minus strand). Cytogenetic location: 1p31.3.
Variant type: single nucleotide variant.
Coding change: c.415G>A on transcript NM_000329.3 (MANE Select); coding-DNA position 415, G replaced by A.
Protein change: p.Val139Met; replaces valine 139 with methionine.
Molecular consequence: missense variant.
Genome position (GRCh38, 1-based): chr1:68,444,611, C>T on the plus strand (G>A on the coding strand, the complement: RPE65 is on the minus strand). VCF-style: chr1-68444611-C-T. GRCh37 (hg19) VCF-style: chr1-68910294-C-T.
Other names: c.307G>A, p.Val103Met (NM_001406853.1); c.139G>A, p.Val47Met (NM_001406856.1, NM_001406857.1); c.415G>A, p.Val139Met (NM_001406859.1, NM_001406860.1); short protein forms V103M, V139M, V47M.
Identifiers: ClinVar variation 1721891 (VCV001721891.5), dbSNP rs1645928145, ClinGen allele CA340747869.
Genomic context (GRCh38, chr1:68,444,611, plus strand): 5'-TCTCTGGATTAATCTTTGTAATAAAGTTGGTCTCTGTGCAAGCGTAGTAATCTTCCCCCA[C>T]TGGGTAGACATTAACAAGGGCATTGTCAGTAACCTCTACTCCTCGAAAGTAAGAAAAAAA-3'
Protein context (NP_000320.1, residues 129-149): TDNALVNVYP[Val139Met]GEDYYACTET

ClinVar aggregate classification (germline): Uncertain significance (1 of 4 stars; one submission).

Conditions:
Retinitis pigmentosa 20 (RP20). Identifiers: Orphanet 791, MedGen C3151086, MONDO:0013425, OMIM 613794.
Leber congenital amaurosis 2 (LCA2). Also called: AMAUROSIS CONGENITA OF LEBER II; Autosomal Recessive RPE65-Related Retinal Degeneration. Identifiers: Orphanet 65, MedGen C1859844, MONDO:0008765, OMIM 204100. Disease mechanism: loss of function.

Submission:

Labcorp Genetics (formerly Invitae), Labcorp
Classification: Uncertain significance for Leber congenital amaurosis 2; Retinitis pigmentosa 20. Last evaluated: 2022-10-20. Review status: criteria provided, single submitter. Criteria: Invitae Variant Classification Sherloc (09022015). Collection method: clinical testing. Allele origin: germline.
Comment: This sequence change replaces valine, which is neutral and non-polar, with methionine, which is neutral and non-polar, at codon 139 of the RPE65 protein (p.Val139Met). This variant is not present in population databases (gnomAD no frequency). This variant has not been reported in the literature in individuals affected with RPE65-related conditions. Advanced modeling of protein sequence and biophysical properties (such as structural, functional, and spatial information, amino acid conservation, physicochemical variation, residue mobility, and thermodynamic stability) performed at Invitae indicates that this missense variant is not expected to disrupt RPE65 protein function. In summary, the available evidence is currently insufficient to determine the role of this variant in disease. Therefore, it has been classified as a Variant of Uncertain Significance.